The following is an entry in ClinVar:

ClinVar aggregate classification (germline): Pathogenic/Likely pathogenic. Review status: criteria provided, multiple submitters, no conflicts (2 of 4 stars). 10 submissions from 10 submitters: Pathogenic (3); Likely pathogenic (4). 3 of the submissions do not count toward it. Last evaluated 2025-09-03.

Conditions:
BBS2-related ciliopathy. Identifiers: MedGen CN378634, MONDO:1040048.
Retinitis pigmentosa 74 (RP74). Identifiers: Orphanet 791, MedGen C4225281, MONDO:0014692, OMIM 616562.
Bardet-Biedl syndrome 2 (BBS2). Identifiers: Orphanet 110, MedGen C2936863, MONDO:0014432, OMIM 615981.
BBS2-related disorder. Also called: BBS2-related condition; BBS2-related disorders. Identifiers: MedGen CN239228.
Bardet-Biedl syndrome (BBS). Identifiers: Orphanet 110, MedGen C0752166, MONDO:0015229.

Allele frequency attached by ClinVar (database versions not stated): gnomAD exomes below 0.00001 and 0.00001; TOPMed below 0.00001.
gnomAD v4.1: 10 of 1,614,114 alleles (0.00062%); highest among the groups gnomAD compares: Non-Finnish European, 0.00085%; no homozygotes.

Submissions (10):

PreventionGenetics, part of Exact Sciences
Classification: Likely pathogenic for BBS2-related condition. Last evaluated: 2025-09-03. Review status: criteria provided, single submitter. Criteria: ACMG Guidelines, 2015. Collection method: clinical testing. Allele origin: germline.
Comment: The BBS2 c.224T>G variant is predicted to result in the amino acid substitution p.Val75Gly. This variant was first reported in the homozygous state in multiple members of a consanguineous Bedouin family with Bardet-Biedl syndrome (BBS), and also demonstrated to segregate with disease (Kwitek-Black et al. 1993. PubMed ID: 8298649 and Nishimura et al. 2001. PubMed ID: 11285252). This variant has also been reported in the homozygous state in other individuals with BBS (Esposito et al. 2017. PubMed ID: 28143435; Van Roy et al. 2023. PubMed ID: 37997784). This variant is reported in 0.00088% of alleles in individuals of European (non-Finnish) descent in gnomAD, and is interpreted as pathogenic/likely pathogenic in the ClinVar database. This variant is interpreted as likely pathogenic.

Myriad Genetics, Inc.
Classification: Likely pathogenic for BBS2-related ciliopathy. Last evaluated: 2025-06-12. Review status: criteria provided, single submitter. Criteria: Myriad Autosomal Dominant, Autosomal Recessive and X-Linked Classification Criteria (2023). Collection method: clinical testing. Allele origin: unknown.
Comment: NM_031885.3(BBS2):c.224T>G(V75G) is a missense variant classified as likely pathogenic in the context of Bardet-Biedl syndrome, BBS2-related. V75G has been observed in cases with relevant disease (PMID: 11285252, 28143435, 37997784, 39990901, 31456290). Relevant functional assessments of this variant are available in the literature (PMID: 31530639). V75G has been observed in referenced population frequency databases. In summary, NM_031885.3(BBS2):c.224T>G(V75G) is a missense variant that has been observed more frequently in cases with the relevant disease than in healthy populations. Please note: this variant was assessed in the context of healthy population screening.

Natera, Inc.
Classification: Likely pathogenic for Bardet-Biedl syndrome type 2. Last evaluated: 2025-02-04. Review status: criteria provided, single submitter. Criteria: Natera Variant Classification Schema (03/2026). Collection method: clinical testing. Allele origin: germline.
Comment: The c.224T>G variant in BBS2 is a missense variant predicted to cause substitution of valine to glycine at amino acid 75. This variant is rare in the general population with a frequency below the threshold expected for the associated phenotype(s). This variant has been observed in one or more individuals affected with the associated recessive disease, as either homozygous or compound heterozygous with a second variant (PMID: 28143435, 11285252). Additionally, this variant has been observed to segregate in affected family members (PMID: 11285252, 37997784). Computational prediction algorithms indicate this variant is likely to affect gene or protein function. Given the available evidence, this variant is classified as Likely Pathogenic.

First Genomix Gene Laboratory, Genetic Diagnostics Department
Classification: Pathogenic for Bardet-Biedl syndrome 2; Retinitis pigmentosa 74. Last evaluated: 2025-01-05. Review status: criteria provided, single submitter. Criteria: ACMG Guidelines, 2015. Collection method: clinical testing. Allele origin: germline. Inheritance: Autosomal recessive inheritance. Affected: no. Observed: 1 variant allele.

Labcorp Genetics (formerly Invitae), Labcorp
Classification: Pathogenic for Bardet-Biedl syndrome. Last evaluated: 2023-12-30. Review status: criteria provided, single submitter. Criteria: Invitae Variant Classification Sherloc (09022015). Collection method: clinical testing. Allele origin: germline.
Comment: This sequence change replaces valine, which is neutral and non-polar, with glycine, which is neutral and non-polar, at codon 75 of the BBS2 protein (p.Val75Gly). This variant is present in population databases (rs121908174, gnomAD 0.0009%). This missense change has been observed in individuals with clinical features of Bardet-Biedl syndrome (PMID: 11285252, 28143435, 31456290). It has also been observed to segregate with disease in related individuals. ClinVar contains an entry for this variant (Variation ID: 4569). Advanced modeling of protein sequence and biophysical properties (such as structural, functional, and spatial information, amino acid conservation, physicochemical variation, residue mobility, and thermodynamic stability) performed at Invitae indicates that this missense variant is expected to disrupt BBS2 protein function with a positive predictive value of 80%. Experimental studies have shown that this missense change affects BBS2 function (PMID: 20498079). For these reasons, this variant has been classified as Pathogenic.

Baylor Genetics
Classification: Likely pathogenic for Bardet-Biedl syndrome 2. Last evaluated: 2023-10-05. Review status: criteria provided, single submitter. Criteria: ACMG Guidelines, 2015. Collection method: clinical testing. Allele origin: unknown.

Blueprint Genetics
Classification: Pathogenic for BBS2-related disorders. Last evaluated: 2018-12-31. Review status: criteria provided, single submitter. Criteria: ACMG Guidelines, 2015. Collection method: clinical testing. Allele origin: germline. Affected: yes. Observed: 1 variant allele.

Sharon lab, Hadassah-Hebrew University Medical Center
Classification: Pathogenic for Bardet-Biedl syndrome. Last evaluated: 2019-06-23. Review status: no assertion criteria provided. Collection method: research. Allele origin: inherited. Affected: yes. Not counted in ClinVar's aggregate classification.

Counsyl
Classification: Likely pathogenic for Bardet-Biedl syndrome 2. Last evaluated: 2017-12-08. Review status: no assertion criteria provided. Collection method: clinical testing. Allele origin: unknown. Not counted in ClinVar's aggregate classification.

OMIM
Classification: Pathogenic for BARDET-BIEDL SYNDROME 2. Last evaluated: 2001-04-01. Review status: no assertion criteria provided. Collection method: literature only. Allele origin: germline. Not counted in ClinVar's aggregate classification.

Literature cited by the submitters: PubMed 11285252 (cited by 5 submitters); PubMed 28143435 (cited by 4 submitters); PubMed 31456290 (cited by Myriad Genetics, Inc. and Labcorp Genetics (formerly Invitae), Labcorp); PubMed 31530639 (cited by Myriad Genetics, Inc.); PubMed 37997784 (cited by Myriad Genetics, Inc. and Natera, Inc.); PubMed 39990901 (cited by Myriad Genetics, Inc.); PubMed 20498079 (cited by Labcorp Genetics (formerly Invitae), Labcorp and Counsyl); PubMed 8298649 (cited by OMIM).

NM_031885.5(BBS2):c.224T>G (p.Val75Gly)

Gene: BBS2 (Bardet-Biedl syndrome 2; minus strand). Cytogenetic location: 16q13.
Variant type: single nucleotide variant.
Coding change: c.224T>G on transcript NM_031885.5 (MANE Select); coding-DNA position 224, T replaced by G.
Protein change: p.Val75Gly; replaces valine 75 with glycine.
Molecular consequence: missense variant. On other transcripts: non-coding transcript variant (5).
Genome position (GRCh38, 1-based): chr16:56,514,574, A>C on the plus strand (T>G on the coding strand, the complement: BBS2 is on the minus strand). VCF-style: chr16-56514574-A-C. GRCh37 (hg19) VCF-style: chr16-56548486-A-C.
Other names: c.224T>G, p.Val75Gly (NM_001377456.1); short protein forms V75G.
Identifiers: ClinVar variation 4569 (VCV000004569.18), dbSNP rs121908174, ClinGen allele CA253233.